The following is an entry in ClinVar:

ClinVar aggregate classification (germline): Likely benign. Review status: criteria provided, multiple submitters, no conflicts (2 of 4 stars). 3 submissions from 3 submitters: Likely benign (3). Last evaluated 2026-05-11.

Conditions:
Cardiovascular phenotype. Identifiers: MedGen CN230736.
ZNF469-related disorder. Also called: ZNF469-related condition.

Allele frequency attached by ClinVar (database versions not stated): gnomAD exomes 0.00001; gnomAD 0.00003; TOPMed 0.00003.
gnomAD v4.1: 8 of 1,544,982 alleles (0.00052%); highest among the groups gnomAD compares: African/African-American, 0.0069%; no homozygotes.

Submissions (3):

Ambry Genetics
Classification: Likely benign for Cardiovascular phenotype. Last evaluated: 2026-05-11. Review status: criteria provided, single submitter. Criteria: Ambry Variant Classification Scheme 2023. Collection method: clinical testing. Allele origin: germline.

Labcorp Genetics (formerly Invitae), Labcorp
Classification: Likely benign. Last evaluated: 2026-01-22. Review status: criteria provided, single submitter. Criteria: Invitae Variant Classification Sherloc (09022015). Collection method: clinical testing. Allele origin: germline.

PreventionGenetics, part of Exact Sciences
Classification: Likely benign for ZNF469-related condition. Last evaluated: 2024-11-09. Review status: criteria provided, single submitter. Criteria: ACMG Guidelines, 2015. Collection method: clinical testing. Allele origin: germline.
Comment: This variant is classified as likely benign based on ACMG/AMP sequence variant interpretation guidelines (Richards et al. 2015 PMID: 25741868, with internal and published modifications).

NM_001367624.2(ZNF469):c.3552C>T (p.Ala1184=)

Gene: ZNF469 (zinc finger protein 469; plus strand). Cytogenetic location: 16q24.2.
Variant type: single nucleotide variant.
Coding change: c.3552C>T on transcript NM_001367624.2 (MANE Select); coding-DNA position 3552, C replaced by T.
Protein change: p.Ala1184=; no amino-acid change (alanine 1184 retained).
Molecular consequence: synonymous variant.
Genome position (GRCh38, 1-based): chr16:88,431,022, C>T. VCF-style: chr16-88431022-C-T. GRCh37 (hg19) VCF-style: chr16-88497430-C-T.
Other names: NM_001127464.1:c.3468C>T; NM_001127464.2:c.3468C>T.
Identifiers: ClinVar variation 2903000 (VCV002903000.5), dbSNP rs1213748610, ClinGen allele CA497354291.